The following is an entry in ClinVar:

NM_013314.4(BLNK):c.321G>A (p.Pro107=)

Gene: BLNK (B cell linker; minus strand). Cytogenetic location: 10q24.1.
Variant type: single nucleotide variant.
Coding change: c.321G>A on transcript NM_013314.4 (MANE Select); coding-DNA position 321, G replaced by A.
Protein change: p.Pro107=; no amino-acid change (proline 107 retained).
Molecular consequence: synonymous variant. On other transcripts: non-coding transcript variant (4).
Genome position (GRCh38, 1-based): chr10:96,227,450, C>T on the plus strand (G>A on the coding strand, the complement: BLNK is on the minus strand). VCF-style: chr10-96227450-C-T. GRCh37 (hg19) VCF-style: chr10-97987206-C-T.
Other names: p.Pro107=; c.321G>A, p.Pro107= (NM_001114094.2, NM_001258440.2, NM_001258441.2 and 1 more transcripts).
Identifiers: ClinVar variation 538839 (VCV000538839.12), dbSNP rs782386441, ClinGen allele CA5623505.

ClinVar aggregate classification (germline): Likely benign. Review status: criteria provided, multiple submitters, no conflicts (2 of 4 stars). 3 submissions from 3 submitters: Likely benign (3). Last evaluated 2026-01-25.

Conditions:
Agammaglobulinemia 4, autosomal recessive (AGM4). Also called: AGAMMAGLOBULINEMIA, AUTOSOMAL RECESSIVE, DUE TO BLNK DEFECT; B cell linker protein deficiency. Identifiers: MedGen C3150752, MONDO:0013289, OMIM 613502.

Allele frequency attached by ClinVar (database versions not stated): TOPMed below 0.00001; ExAC 0.00002; gnomAD exomes 0.00002 and 0.00003.
gnomAD v4.1: 33 of 1,614,186 alleles (0.002%); highest among the groups gnomAD compares: Non-Finnish European, 0.0028%; no homozygotes.

Submissions (3):

Labcorp Genetics (formerly Invitae), Labcorp
Classification: Likely benign for Agammaglobulinemia 4, autosomal recessive. Last evaluated: 2026-01-25. Review status: criteria provided, single submitter. Criteria: Invitae Variant Classification Sherloc (09022015). Collection method: clinical testing. Allele origin: germline.

Mayo Clinic Laboratories, Mayo Clinic
Classification: Likely benign. Last evaluated: 2025-06-23. Review status: criteria provided, single submitter. Criteria: ACMG Guidelines, 2015. Collection method: clinical testing. Allele origin: germline. Observed: 1 variant allele.
Comment: BP4, BP7

Blueprint Genetics
Classification: Likely benign. Last evaluated: 2024-10-02. Review status: criteria provided, single submitter. Criteria: ACMG Guidelines, 2015. Collection method: clinical testing. Allele origin: germline.